The following is an entry in ClinVar:

ClinVar aggregate classification (germline): Conflicting classifications of pathogenicity. Review status: criteria provided, conflicting classifications (1 of 4 stars). 7 submissions from 7 submitters: Uncertain significance (3); Likely benign (4). Last evaluated 2025-09-17.

Conditions:
INF2-related disorder. Also called: INF2-related condition.
Charcot-Marie-Tooth disease dominant intermediate E. Also called: CHARCOT-MARIE-TOOTH NEUROPATHY WITH FOCAL SEGMENTAL GLOMERULONEPHRITIS. Identifiers: Orphanet 93114, MedGen C4302667, MONDO:0013758, OMIM 614455.
Focal segmental glomerulosclerosis 5 (FSGS5). Identifiers: Orphanet 656, MedGen C2750475, MONDO:0013191, OMIM 613237.

Allele frequency attached by ClinVar (database versions not stated): gnomAD exomes 0.00002; TOPMed 0.00003; gnomAD 0.00006 and 0.00007.
gnomAD v4.1: 59 of 1,612,302 alleles (0.0037%); highest among the groups gnomAD compares: Admixed American, 0.013%; 1 homozygote.

Submissions (7):

PreventionGenetics, part of Exact Sciences
Classification: Uncertain significance for INF2-related condition. Last evaluated: 2025-09-17. Review status: criteria provided, single submitter. Criteria: ACMG Guidelines, 2015. Collection method: clinical testing. Allele origin: germline.
Comment: The INF2 c.2459G>A variant is predicted to result in the amino acid substitution p.Arg820Gln. This variant was reported in an individual with intermediate Charcot-Marie-Tooth disease (Bacquet et al. 2018. PubMed ID: 30373780). This variant is reported in 0.0051% of alleles in individuals of East Asian descent in gnomAD. At this time, the clinical significance of this variant is uncertain due to the absence of conclusive functional and genetic evidence.

ARUP Laboratories, Molecular Genetics and Genomics, ARUP Laboratories
Classification: Uncertain significance. Last evaluated: 2025-01-30. Review status: criteria provided, single submitter. Criteria: ARUP Molecular Germline Variant Investigation Process 2024. Collection method: clinical testing. Allele origin: germline.
Comment: The INF2 c.2459G>A; This variant is only observed on six alleles in the Genome Aggregation Database (v2.1.1), indicating it is not a common polymorphism. Computational analyses predict that this variant is neutral (REVEL: 0.092). Based on the available information, the clinical significance of this variant is uncertain. References: Bacquet J et al. Molecular diagnosis of inherited peripheral neuropathies by targeted next-generation sequencing: molecular spectrum delineation. BMJ Open. 2018 Oct 28. PMID: 30373780.

Labcorp Genetics (formerly Invitae), Labcorp
Classification: Likely benign for Charcot-Marie-Tooth disease dominant intermediate E; Focal segmental glomerulosclerosis 5. Last evaluated: 2024-11-11. Review status: criteria provided, single submitter. Criteria: Invitae Variant Classification Sherloc (09022015). Collection method: clinical testing. Allele origin: germline.

Blueprint Genetics
Classification: Likely benign. Last evaluated: 2024-09-19. Review status: criteria provided, single submitter. Criteria: ACMG Guidelines, 2015. Collection method: clinical testing. Allele origin: germline.

CeGaT Center for Human Genetics Tuebingen
Classification: Likely benign. Last evaluated: 2022-07-01. Review status: criteria provided, single submitter. Criteria: CeGaT Center For Human Genetics Tuebingen Variant Classification Criteria Version 2. Collection method: clinical testing. Allele origin: germline. Affected: yes. Observed: 1 variant allele.
Comment: INF2: BP4

Victorian Clinical Genetics Services, Murdoch Childrens Research Institute
Classification: Likely benign for Focal segmental glomerulosclerosis 5. Last evaluated: 2022-06-24. Review status: criteria provided, single submitter. Criteria: ACMG Guidelines, 2015. Collection method: clinical testing. Allele origin: germline. Inheritance: Autosomal dominant inheritance.
Comment: Based on the classification scheme VCGS_Germline_v1.3.4, this variant is classified as likely benign. Following criteria are met: 0105 - The mechanism of disease for this gene is not clearly established. However, loss- and gain of function has been suggested (PMID: 32451589). (I) 0107 - This gene is associated with autosomal dominant disease. (I) 0112 - The condition associated with this gene has incomplete penetrance (PMID: 32451589). (I) 0115 - Variants in this gene are known to have variable expressivity, with inter- and intra-familial phenotypic variabilities described (PMID: 32451589). (I) 0200 - Variant is predicted to result in a missense amino acid change from arginine to glutamine. (I) 0219 - This variant is non-coding in an alternative transcript (UCSC). (I) 0251 - This variant is heterozygous. (I) 0302 - Variant is present in gnomAD (v3) <0.001 for a dominant condition (10 heterozygotes, 0 homozygotes). (SP) 0309 - An alternative amino acid change at the same position has been observed in gnomAD (v3) (349 heterozygotes, 1 homozygote). (I) 0504 - Same amino acid change has been observed in placental mammals. (SB) 0604 - Variant is not located in an established domain, motif, hotspot or informative constraint region. (I) 0709 - Another missense variant comparable to the one identified in this case has moderate previous evidence for being benign. This alternative change (p.(Arg820Trp)) has been reported as benign and likely benign multiple times (ClinVar, LOVD). (SB) 0809 - Previous evidence of pathogenicity for this variant is inconclusive. This variant has been reported as a VUS, and observed in a single individual with Charcot-Marie-Tooth disease (ClinVar, PMID: 30373780). (I) 0905 - No published segregation evidence has been identified for this variant. (I) 1007 - No published functional evidence has been identified for this variant. (I) 1208 - Inheritance information for this variant is not currently available in this individual. (I) Legend: (SP) - Supporting pathogenic, (I) - Information, (SB) - Supporting benign

Fulgent Genetics
Classification: Uncertain significance for Focal segmental glomerulosclerosis 5; Charcot-Marie-Tooth disease dominant intermediate E. Last evaluated: 2022-04-12. Review status: criteria provided, single submitter. Criteria: ACMG Guidelines, 2015. Collection method: clinical testing. Allele origin: unknown.

Literature cited by the submitters: PubMed 30373780 (cited by Victorian Clinical Genetics Services, Murdoch Childrens Research Institute); PubMed 32451589 (cited by Victorian Clinical Genetics Services, Murdoch Childrens Research Institute).

NM_022489.4(INF2):c.2459G>A (p.Arg820Gln)

Gene: INF2 (inverted formin 2; plus strand). Cytogenetic location: 14q32.33.
Variant type: single nucleotide variant.
Coding change: c.2459G>A on transcript NM_022489.4 (MANE Select); coding-DNA position 2459, G replaced by A.
Protein change: p.Arg820Gln; replaces arginine 820 with glutamine.
Molecular consequence: missense variant.
Genome position (GRCh38, 1-based): chr14:104,711,669, G>A. VCF-style: chr14-104711669-G-A. GRCh37 (hg19) VCF-style: chr14-105178006-G-A.
Other names: c.2459G>A, p.Arg820Gln (NM_001031714.4); short protein forms R820Q.
Identifiers: ClinVar variation 948488 (VCV000948488.51), dbSNP rs759989953, ClinGen allele CA267328527.